The following is an entry in ClinVar:

NM_000321.3(RB1):c.-128C>G

Gene: RB1 (RB transcriptional corepressor 1; plus strand). Cytogenetic location: 13q14.2.
Variant type: single nucleotide variant.
Coding change: c.-128C>G on transcript NM_000321.3 (MANE Select); 128 bases upstream of the start codon, C replaced by G.
Molecular consequence: 5 prime UTR variant.
Genome position (GRCh38, 1-based): chr13:48,303,785, C>G. VCF-style: chr13-48303785-C-G. GRCh37 (hg19) VCF-style: chr13-48877921-C-G.
Other names: c.-128C>G (NM_001407165.1, NM_001407166.1, NM_001407167.1).
Identifiers: ClinVar variation 3003796 (VCV003003796.3), dbSNP rs977872909, ClinGen allele CA249842009.

ClinVar aggregate classification (germline): Uncertain significance (1 of 4 stars; one submission).

Conditions:
Retinoblastoma (RB1). Also called: RETINOBLASTOMA, SOMATIC. Identifiers: Orphanet 790, MedGen C0035335, MeSH D012175, MONDO:0008380, OMIM 180200, HP:0009919. Disease mechanism: loss of function. Inheritance: Both sporadic and heritable forms are tested..

Allele frequency attached by ClinVar (database versions not stated): TOPMed 0.00001; gnomAD 0.00001.

Submission:

Labcorp Genetics (formerly Invitae), Labcorp
Classification: Uncertain significance for Retinoblastoma. Last evaluated: 2025-12-24. Review status: criteria provided, single submitter. Criteria: Invitae Variant Classification Sherloc (09022015). Collection method: clinical testing. Allele origin: germline.
Comment: This variant occurs in a non-coding region of the RB1 gene. It does not change the encoded amino acid sequence of the RB1 protein. This variant is present in population databases (no rsID available, gnomAD 0.007%). This variant has not been reported in the literature in individuals affected with RB1-related conditions. ClinVar contains an entry for this variant (Variation ID: 3003796). In summary, the available evidence is currently insufficient to determine the role of this variant in disease. Therefore, it has been classified as a Variant of Uncertain Significance.